The following is an entry in ClinVar:

NM_021930.6(RINT1):c.478G>T (p.Ala160Ser)

Gene: RINT1 (RAD50 interactor 1; plus strand). Cytogenetic location: 7q22.3.
Variant type: single nucleotide variant.
Coding change: c.478G>T on transcript NM_021930.6 (MANE Select); coding-DNA position 478, G replaced by T.
Protein change: p.Ala160Ser; replaces alanine 160 with serine.
Molecular consequence: missense variant. On other transcripts: 5 prime UTR variant (3), non-coding transcript variant (1).
Genome position (GRCh38, 1-based): chr7:105,542,612, G>T. VCF-style: chr7-105542612-G-T. GRCh37 (hg19) VCF-style: chr7-105183059-G-T.
Other names: c.244G>T, p.Ala82Ser (NM_001346599.2); c.-542G>T (NM_001346600.2); c.-445G>T (NM_001346601.2); c.-65G>T (NM_001346603.2); short protein forms A160S, A82S.
Identifiers: ClinVar variation 3789234 (VCV003789234.1).

ClinVar aggregate classification (germline): Uncertain significance (1 of 4 stars; one submission).

Submission:

Ambry Genetics
Classification: Uncertain significance. Last evaluated: 2025-02-15. Review status: criteria provided, single submitter. Criteria: Ambry Variant Classification Scheme 2023. Collection method: clinical testing. Allele origin: germline.
Comment: The p.A160S variant (also known as c.478G>T), located in coding exon 4 of the RINT1 gene, results from a G to T substitution at nucleotide position 478. The alanine at codon 160 is replaced by serine, an amino acid with similar properties. This amino acid position is conserved. In addition, this alteration is predicted to be tolerated by in silico analysis. Based on the available evidence, the clinical significance of this variant remains unclear.